The following is an entry in ClinVar:

ClinVar aggregate classification (germline): Uncertain significance. Review status: criteria provided, multiple submitters, no conflicts (2 of 4 stars). 3 submissions from 3 submitters: Uncertain significance (2). 1 of the submissions does not count toward it. Last evaluated 2022-10-13.

Conditions:
Usher syndrome type 1F (USH1F). Also called: USHER SYNDROME, TYPE IF. Identifiers: Orphanet 231169, Orphanet 886, MedGen C1865885, MONDO:0011186, OMIM 602083.

Allele frequency attached by ClinVar (database versions not stated): TOPMed below 0.00001; ExAC 0.00001; gnomAD 0.00001; gnomAD exomes 0.00001; ESP Exome Variant Server 0.00008.
gnomAD v4.1: 16 of 1,614,056 alleles (0.00099%); highest among the groups gnomAD compares: Non-Finnish European, 0.0014%; no homozygotes.

Submissions (3):

Labcorp Genetics (formerly Invitae), Labcorp
Classification: Uncertain significance. Last evaluated: 2022-10-13. Review status: criteria provided, single submitter. Criteria: Invitae Variant Classification Sherloc (09022015). Collection method: clinical testing. Allele origin: germline.
Comment: This sequence change replaces serine, which is neutral and polar, with arginine, which is basic and polar, at codon 1398 of the PCDH15 protein (p.Ser1398Arg). This variant is present in population databases (rs376146659, gnomAD 0.004%). This variant has not been reported in the literature in individuals affected with PCDH15-related conditions. ClinVar contains an entry for this variant (Variation ID: 1055700). Advanced modeling of protein sequence and biophysical properties (such as structural, functional, and spatial information, amino acid conservation, physicochemical variation, residue mobility, and thermodynamic stability) performed at Invitae indicates that this missense variant is not expected to disrupt PCDH15 protein function. In summary, the available evidence is currently insufficient to determine the role of this variant in disease. Therefore, it has been classified as a Variant of Uncertain Significance.

Blueprint Genetics
Classification: Uncertain significance. Last evaluated: 2021-10-26. Review status: criteria provided, single submitter. Criteria: ACMG Guidelines, 2015. Collection method: clinical testing. Allele origin: germline.

Natera, Inc.
Classification: Uncertain significance for Usher syndrome type 1F. Last evaluated: 2021-06-09. Review status: no assertion criteria provided. Collection method: clinical testing. Allele origin: germline. Not counted in ClinVar's aggregate classification.

NM_001384140.1(PCDH15):c.4192A>C (p.Ser1398Arg)

Gene: PCDH15 (protocadherin related 15; minus strand). Cytogenetic location: 10q21.1.
Variant type: single nucleotide variant.
Coding change: c.4192A>C on transcript NM_001384140.1 (MANE Select); coding-DNA position 4192, A replaced by C.
Protein change: p.Ser1398Arg; replaces serine 1398 with arginine.
Molecular consequence: missense variant.
Genome position (GRCh38, 1-based): chr10:53,831,325, T>G on the plus strand (A>C on the coding strand, the complement: PCDH15 is on the minus strand). VCF-style: chr10-53831325-T-G. GRCh37 (hg19) VCF-style: chr10-55591085-T-G.
Other names: c.4207A>C, p.Ser1403Arg (NM_001142763.2, NM_001142771.2); c.4192A>C, p.Ser1398Arg (NM_001142764.2, NM_001142766.2, NM_001142770.3 and 4 more transcripts); c.3979A>C, p.Ser1327Arg (NM_001142765.2); c.4081A>C, p.Ser1361Arg (NM_001142767.2); c.4126A>C, p.Ser1376Arg (NM_001142768.2, NM_001142773.2, NM_001354404.2); c.4228A>C, p.Ser1410Arg (NM_001142769.4); c.4213A>C, p.Ser1405Arg (NM_001354411.2); short protein forms S1327R, S1361R, S1376R, S1398R, S1403R, S1405R, S1410R.
Identifiers: ClinVar variation 1055700 (VCV001055700.8), dbSNP rs376146659, ClinGen allele CA5505458.